The following is an entry in ClinVar:

NM_004168.4(SDHA):c.482G>A (p.Ser161Asn)

Gene: SDHA (succinate dehydrogenase complex flavoprotein subunit A; plus strand). Cytogenetic location: 5p15.33.
Variant type: single nucleotide variant.
Coding change: c.482G>A on transcript NM_004168.4 (MANE Select); coding-DNA position 482, G replaced by A.
Protein change: p.Ser161Asn; replaces serine 161 with asparagine.
Molecular consequence: missense variant.
Genome position (GRCh38, 1-based): chr5:225,908, G>A. VCF-style: chr5-225908-G-A. GRCh37 (hg19) VCF-style: chr5-226023-G-A.
Other names: c.338G>A, p.Ser113Asn (NM_001294332.2); c.482G>A, p.Ser161Asn (NM_001330758.2); short protein forms S113N, S161N.
Identifiers: ClinVar variation 1496917 (VCV001496917.8), dbSNP rs2126549411, ClinGen allele CA359009936.

ClinVar aggregate classification (germline): Uncertain significance (1 of 4 stars; one submission).

Conditions:
Mitochondrial complex II deficiency, nuclear type 1. Also called: SUCCINATE CoQ REDUCTASE DEFICIENCY. Identifiers: Orphanet 3208, MedGen C5700310, MONDO:0100294, OMIM 252011.
Pheochromocytoma/paraganglioma syndrome 5. Also called: Paragangliomas 5; SDHA-Related Hereditary Paraganglioma-Pheochromocytoma Syndrome. Identifiers: Orphanet 29072, MedGen C3279992, MONDO:0013602, OMIM 614165.

Submission:

Labcorp Genetics (formerly Invitae), Labcorp
Classification: Uncertain significance for Pheochromocytoma/paraganglioma syndrome 5; Mitochondrial complex II deficiency, nuclear type 1. Last evaluated: 2020-12-23. Review status: criteria provided, single submitter. Criteria: Invitae Variant Classification Sherloc (09022015). Collection method: clinical testing. Allele origin: germline.
Comment: In summary, the available evidence is currently insufficient to determine the role of this variant in disease. Therefore, it has been classified as a Variant of Uncertain Significance. Advanced modeling of protein sequence and biophysical properties (such as structural, functional, and spatial information, amino acid conservation, physicochemical variation, residue mobility, and thermodynamic stability) performed at Invitae indicates that this missense variant is expected to disrupt SDHA protein function. This variant has not been reported in the literature in individuals with SDHA-related conditions. This variant is not present in population databases (ExAC no frequency). This sequence change replaces serine with asparagine at codon 161 of the SDHA protein (p.Ser161Asn). The serine residue is highly conserved and there is a small physicochemical difference between serine and asparagine.